The following is an entry in ClinVar:

NM_001845.6(COL4A1):c.305C>G (p.Pro102Arg)

Gene: COL4A1 (collagen type IV alpha 1 chain; minus strand). Cytogenetic location: 13q34.
Variant type: single nucleotide variant.
Coding change: c.305C>G on transcript NM_001845.6 (MANE Select); coding-DNA position 305, C replaced by G.
Protein change: p.Pro102Arg; replaces proline 102 with arginine.
Molecular consequence: missense variant.
Genome position (GRCh38, 1-based): chr13:110,212,593, G>C on the plus strand (C>G on the coding strand, the complement: COL4A1 is on the minus strand). VCF-style: chr13-110212593-G-C. GRCh37 (hg19) VCF-style: chr13-110864940-G-C.
Other names: c.305C>G, p.Pro102Arg (NM_001303110.2); short protein forms P102R.
Identifiers: ClinVar variation 5009525 (VCV005009525.1).

ClinVar aggregate classification (germline): Uncertain significance (1 of 4 stars; one submission).

Submission:

GeneDx
Classification: Uncertain significance. Last evaluated: 2026-03-21. Review status: criteria provided, single submitter. Criteria: GeneDx Variant Classification Process June 2021. Collection method: clinical testing. Allele origin: germline.
Comment: Not observed at significant frequency in large population cohorts (gnomAD); In silico analysis supports that this missense variant has a deleterious effect on protein structure/function; Has not been previously published as pathogenic or benign to our knowledge